The following is an entry in ClinVar:

ClinVar aggregate classification (germline): Uncertain significance (1 of 4 stars; one submission).

Allele frequency attached by ClinVar (database versions not stated): gnomAD exomes 0.00001.
gnomAD v4.1: 3 of 1,611,840 alleles (0.00019%); highest among the groups gnomAD compares: South Asian, 0.0011%; no homozygotes.

Submission:

GeneDx
Classification: Uncertain significance. Last evaluated: 2022-05-17. Review status: criteria provided, single submitter. Criteria: GeneDx Variant Classification Process June 2021. Collection method: clinical testing. Allele origin: germline. Affected: yes.
Comment: Not observed at significant frequency in large population cohorts (gnomAD); In silico analysis supports that this missense variant has a deleterious effect on protein structure/function; Has not been previously published as pathogenic or benign to our knowledge

NM_000260.4(MYO7A):c.1033G>A (p.Glu345Lys)

Gene: MYO7A (myosin VIIA; plus strand). Cytogenetic location: 11q13.5.
Variant type: single nucleotide variant.
Coding change: c.1033G>A on transcript NM_000260.4 (MANE Select); coding-DNA position 1033, G replaced by A.
Protein change: p.Glu345Lys; replaces glutamic acid 345 with lysine.
Molecular consequence: missense variant.
Genome position (GRCh38, 1-based): chr11:77,159,476, G>A. VCF-style: chr11-77159476-G-A. GRCh37 (hg19) VCF-style: chr11-76870522-G-A.
Other names: c.1033G>A, p.Glu345Lys (NM_001127180.2); c.1000G>A, p.Glu334Lys (NM_001369365.1); short protein forms E334K, E345K.
Identifiers: ClinVar variation 1800693 (VCV001800693.1), dbSNP rs2496810806, ClinGen allele CA381933922.